The following is an entry in ClinVar:

ClinVar aggregate classification (germline): Uncertain significance (1 of 4 stars; one submission).

Submission:

Labcorp Genetics (formerly Invitae), Labcorp
Classification: Uncertain significance. Last evaluated: 2024-05-23. Review status: criteria provided, single submitter. Criteria: Invitae Variant Classification Sherloc (09022015). Collection method: clinical testing. Allele origin: germline.
Comment: This sequence change replaces glycine, which is neutral and non-polar, with valine, which is neutral and non-polar, at codon 1171 of the COL11A2 protein (p.Gly1171Val). This variant is present in population databases (no rsID available, gnomAD 0.3%). This variant has not been reported in the literature in individuals affected with COL11A2-related conditions. Advanced modeling of protein sequence and biophysical properties (such as structural, functional, and spatial information, amino acid conservation, physicochemical variation, residue mobility, and thermodynamic stability) performed at Invitae indicates that this missense variant is expected to disrupt COL11A2 protein function with a positive predictive value of 95%. Algorithms developed to predict the effect of sequence changes on RNA splicing suggest that this variant may disrupt the consensus splice site. In summary, the available evidence is currently insufficient to determine the role of this variant in disease. Therefore, it has been classified as a Variant of Uncertain Significance.

NM_080680.3(COL11A2):c.3512G>T (p.Gly1171Val)

Gene: COL11A2 (collagen type XI alpha 2 chain; minus strand). Cytogenetic location: 6p21.32.
Variant type: single nucleotide variant.
Coding change: c.3512G>T on transcript NM_080680.3 (MANE Select); coding-DNA position 3512, G replaced by T.
Protein change: p.Gly1171Val; replaces glycine 1171 with valine.
Molecular consequence: missense variant.
Genome position (GRCh38, 1-based): chr6:33,170,573, C>A on the plus strand (G>T on the coding strand, the complement: COL11A2 is on the minus strand). VCF-style: chr6-33170573-C-A. GRCh37 (hg19) VCF-style: chr6-33138350-C-A.
Other names: c.3332G>T, p.Gly1111Val (NM_001424108.1); c.2666G>T, p.Gly889Val (NM_001424109.1); c.2486G>T, p.Gly829Val (NM_001424110.1, NM_001424111.1); c.1466G>T, p.Gly489Val (NM_001424112.1); c.3191G>T, p.Gly1064Val (NM_080679.3); c.3254G>T, p.Gly1085Val (NM_080681.3); short protein forms G1085V, G1111V, G1064V, G1171V, G489V, G829V, G889V.
Identifiers: ClinVar variation 3690381 (VCV003690381.2).
Genomic context (GRCh38, chr6:33,170,573, plus strand): 5'-GGGTGACTAGTATGGTGGCTAGGGTCAGTAGGGGTCACACTCACCATAGGACCCACATCT[C>A]CTGTTTCTCCCTTCTCCCCAGAGGGGCCTGGCAAACCCTGTGCAAGTATACAAAACATGG-3'
Protein context (NP_542411.2, residues 1161-1181): PGPSGEKGET[Gly1171Val]DVGPMGPPGP